The following is an entry in ClinVar:

NM_199242.3(UNC13D):c.1454C>T (p.Pro485Leu)

Gene: UNC13D (unc-13 homolog D; minus strand). Cytogenetic location: 17q25.1.
Variant type: single nucleotide variant.
Coding change: c.1454C>T on transcript NM_199242.3 (MANE Select); coding-DNA position 1454, C replaced by T.
Protein change: p.Pro485Leu; replaces proline 485 with leucine.
Molecular consequence: missense variant.
Genome position (GRCh38, 1-based): chr17:75,836,102, G>A on the plus strand (C>T on the coding strand, the complement: UNC13D is on the minus strand). VCF-style: chr17-75836102-G-A. GRCh37 (hg19) VCF-style: chr17-73832183-G-A.
Other names: short protein forms P485L.
Identifiers: ClinVar variation 949603 (VCV000949603.8), dbSNP rs550974990, ClinGen allele CA8772961.
Genomic context (GRCh38, chr17:75,836,102, plus strand): 5'-CACTGGTGCAGGTCGCCAATGACATCCTGTACCAGGCCCAGCAAGGCCTTGCCTGCCTCC[G>A]GGATGCCCTGCAGAGACAGAGGTGGGCTGGGCAGGGCTGCCAGAGGCAGGCACCACCCCC-3'
Protein context (NP_954712.1, residues 475-495): QHHQPMVQGI[Pro485Leu]EAGKALLGLV

ClinVar aggregate classification (germline): Uncertain significance. Review status: criteria provided, multiple submitters, no conflicts (2 of 4 stars). 3 submissions from 3 submitters: Uncertain significance (3). Last evaluated 2025-08-04.

Conditions:
Familial hemophagocytic lymphohistiocytosis 3 (FHL3). Also called: UNC13D-Related Familial Hemophagocytic Lymphohistiocytosis (UNC13D-fHLH). Identifiers: Orphanet 540, MedGen C1837174, MONDO:0012146, OMIM 608898.

Allele frequency attached by ClinVar (database versions not stated): ExAC 0.00002; TOPMed 0.00005; 1000 Genomes Project 30x 0.00016; 1000 Genomes Project 0.00020.
gnomAD v4.1: 40 of 1,613,346 alleles (0.0025%); highest among the groups gnomAD compares: Admixed American, 0.0033%; no homozygotes.

Submissions (3):

Labcorp Genetics (formerly Invitae), Labcorp
Classification: Uncertain significance for Familial hemophagocytic lymphohistiocytosis 3. Last evaluated: 2025-08-04. Review status: criteria provided, single submitter. Criteria: Invitae Variant Classification Sherloc (09022015). Collection method: clinical testing. Allele origin: germline.
Comment: This sequence change replaces proline, which is neutral and non-polar, with leucine, which is neutral and non-polar, at codon 485 of the UNC13D protein (p.Pro485Leu). This variant is present in population databases (rs550974990, gnomAD 0.006%). This missense change has been observed in individual(s) with hemophagocytic lymphohistiocytosis (PMID: 29665027). ClinVar contains an entry for this variant (Variation ID: 949603). Invitae Evidence Modeling of protein sequence and biophysical properties (such as structural, functional, and spatial information, amino acid conservation, physicochemical variation, residue mobility, and thermodynamic stability) indicates that this missense variant is not expected to disrupt UNC13D protein function with a negative predictive value of 80%. In summary, the available evidence is currently insufficient to determine the role of this variant in disease. Therefore, it has been classified as a Variant of Uncertain Significance.

Blueprint Genetics
Classification: Uncertain significance. Last evaluated: 2024-11-23. Review status: criteria provided, single submitter. Criteria: ACMG Guidelines, 2015. Collection method: clinical testing. Allele origin: germline.

Women's Health and Genetics/Laboratory Corporation of America, LabCorp
Classification: Uncertain significance. Last evaluated: 2023-12-13. Review status: criteria provided, single submitter. Criteria: LabCorp Variant Classification Summary - May 2015. Collection method: clinical testing. Allele origin: germline.
Comment: Variant summary: UNC13D c.1454C>T (p.Pro485Leu) results in a non-conservative amino acid change in the encoded protein sequence. Four of five in-silico tools predict a benign effect of the variant on protein function. The variant allele was found at a frequency of 2.4e-05 in 250150 control chromosomes (gnomAD). The available data on variant occurrences in the general population are insufficient to allow any conclusion about variant significance. c.1454C>T has been reported in the literature in one individual affected with Familial Hemophagocytic Lymphohistiocytosis (Chen_2018). These report does not provide unequivocal conclusions about association of the variant with Familial Hemophagocytic Lymphohistiocytosis. To our knowledge, no experimental evidence demonstrating an impact on protein function has been reported. The following publication have been ascertained in the context of this evaluation (PMID: 29665027). One submitter has cited clinical-significance assessments for this variant to ClinVar after 2014 and has classified the variant as uncertain significance. Based on the evidence outlined above, the variant was classified as uncertain significance.

Literature cited by the submitters: PubMed 29665027 (cited by Labcorp Genetics (formerly Invitae), Labcorp and Women's Health and Genetics/Laboratory Corporation of America, LabCorp).